The following is an entry in ClinVar:

ClinVar aggregate classification (germline): Benign/Likely benign. Review status: criteria provided, multiple submitters, no conflicts (2 of 4 stars). 2 submissions from 2 submitters: Benign (1); Likely benign (1). Last evaluated 2024-09-16.

Conditions:
Hereditary diffuse gastric adenocarcinoma (HDGC). Also called: DIFFUSE GASTRIC AND LOBULAR BREAST CANCER SYNDROME. Identifiers: Orphanet 26106, MedGen C1708349, MONDO:0007648, OMIM 137215.

Submissions (2):

Myriad Genetics, Inc.
Classification: Benign for Hereditary diffuse gastric adenocarcinoma. Last evaluated: 2024-09-16. Review status: criteria provided, single submitter. Criteria: Myriad Autosomal Dominant, Autosomal Recessive and X-Linked Classification Criteria (2023). Collection method: clinical testing. Allele origin: unknown.
Comment: This variant is considered benign. This variant is a silent/synonymous amino acid change and it is not expected to impact splicing.

Labcorp Genetics (formerly Invitae), Labcorp
Classification: Likely benign for Hereditary diffuse gastric adenocarcinoma. Last evaluated: 2023-02-21. Review status: criteria provided, single submitter. Criteria: Invitae Variant Classification Sherloc (09022015). Collection method: clinical testing. Allele origin: germline.

NM_004360.5(CDH1):c.903T>C (p.Ala301=)

Gene: CDH1 (cadherin 1; plus strand). Cytogenetic location: 16q22.1.
Variant type: single nucleotide variant.
Coding change: c.903T>C on transcript NM_004360.5 (MANE Select); coding-DNA position 903, T replaced by C.
Protein change: p.Ala301=; no amino-acid change (alanine 301 retained).
Molecular consequence: synonymous variant. On other transcripts: 5 prime UTR variant (2).
Genome position (GRCh38, 1-based): chr16:68,811,754, T>C. VCF-style: chr16-68811754-T-C. GRCh37 (hg19) VCF-style: chr16-68845657-T-C.
Other names: c.903T>C, p.Ala301= (NM_001317184.2); c.-713T>C (NM_001317185.2); c.-917T>C (NM_001317186.2).
Identifiers: ClinVar variation 2112895 (VCV002112895.5), dbSNP rs2152131987, ClinGen allele CA496152881.